The following is an entry in ClinVar:

ClinVar aggregate classification (germline): Pathogenic (1 of 4 stars; one submission).

Conditions:
Dyskeratosis congenita, autosomal dominant 2. Identifiers: MedGen C3151443, MONDO:0013521, OMIM 613989.
Idiopathic Pulmonary Fibrosis. Also called: Idiopathic fibrosing alveolitis, chronic form; idiopathic fibrosing alveolitis. Identifiers: Orphanet 2032, MedGen C1800706, MeSH D054990, MONDO:0800504.

Submission:

Labcorp Genetics (formerly Invitae), Labcorp
Classification: Pathogenic for Dyskeratosis congenita, autosomal dominant 2; Idiopathic Pulmonary Fibrosis. Last evaluated: 2025-07-04. Review status: criteria provided, single submitter. Criteria: Invitae Variant Classification Sherloc (09022015). Collection method: clinical testing. Allele origin: germline.
Comment: This sequence change creates a premature translational stop signal (p.Pro5Leufs*74) in the TERT gene. It is expected to result in an absent or disrupted protein product. Loss-of-function variants in TERT are known to be pathogenic (PMID: 16247010, 17460043). This variant is not present in population databases (gnomAD no frequency). This variant has not been reported in the literature in individuals affected with TERT-related conditions. For these reasons, this variant has been classified as Pathogenic.

Literature cited by the submitters: PubMed 16247010; PubMed 17460043.

NM_198253.3(TERT):c.10_11dup (p.Pro5fs)

Genes: TERT (telomerase reverse transcriptase; minus strand), LOC110806263 (TERT 5' regulatory region; plus strand). Cytogenetic location: 5p15.33.
Variant type: Microsatellite.
Coding change: c.10_11dup on transcript NM_198253.3 (MANE Select); coding-DNA positions 10 to 11, 2 bases duplicated (GC; older notation c.10_11dupGC).
Protein change: p.Pro5fs; shifts the reading frame from proline 5.
Molecular consequence: frameshift variant. On other transcripts: non-coding transcript variant (2).
Genome position (GRCh38, 1-based): chr5:1,294,979-1,294,980, GC duplicated on the plus strand (GC on the coding strand, the reverse complement: TERT is on the minus strand); duplicating any 2 consecutive bases within chr5:1,294,979-1,294,985 gives the same sequence; the c. name uses the placement nearest the transcript's 3' end. VCF-style (leftmost placement, unchanged base first): chr5-1294978-A-AGC. GRCh37 (hg19) VCF-style: chr5-1295093-A-AGC.
Other names: c.10_11dup, p.Pro5fs (NM_001193376.3); short protein forms P5fs.
Identifiers: ClinVar variation 1418828 (VCV001418828.6), dbSNP rs2126693109, ClinGen allele CA2580613508.